The following is an entry in ClinVar:

ClinVar aggregate classification (germline): Uncertain significance (1 of 4 stars; one submission).

Conditions:
Hypertrophic cardiomyopathy 13. Also called: TNNC1-Related Familial Hypertrophic Cardiomyopathy. Identifiers: MedGen C2750472, MONDO:0013195, OMIM 613243.
Dilated cardiomyopathy 1Z (CMD1Z). Identifiers: Orphanet 154, MedGen C2678475, MONDO:0012745, OMIM 611879.

Submission:

Labcorp Genetics (formerly Invitae), Labcorp
Classification: Uncertain significance for Hypertrophic cardiomyopathy 13; Dilated cardiomyopathy 1Z. Last evaluated: 2025-07-08. Review status: criteria provided, single submitter. Criteria: Invitae Variant Classification Sherloc (09022015). Collection method: clinical testing. Allele origin: germline.
Comment: This sequence change replaces isoleucine, which is neutral and non-polar, with valine, which is neutral and non-polar, at codon 119 of the TNNC1 protein (p.Ile119Val). This variant is not present in population databases (gnomAD no frequency). This variant has not been reported in the literature in individuals affected with TNNC1-related conditions. ClinVar contains an entry for this variant (Variation ID: 580935). An algorithm developed to predict the effect of missense changes on protein structure and function (PolyPhen-2) suggests that this variant is likely to be tolerated. In summary, the available evidence is currently insufficient to determine the role of this variant in disease. Therefore, it has been classified as a Variant of Uncertain Significance.

NM_003280.3(TNNC1):c.355A>G (p.Ile119Val)

Gene: TNNC1 (troponin C1, slow skeletal and cardiac type; minus strand). Cytogenetic location: 3p21.1.
Variant type: single nucleotide variant.
Coding change: c.355A>G on transcript NM_003280.3 (MANE Select); coding-DNA position 355, A replaced by G.
Protein change: p.Ile119Val; replaces isoleucine 119 with valine.
Molecular consequence: missense variant.
Genome position (GRCh38, 1-based): chr3:52,451,490, T>C on the plus strand (A>G on the coding strand, the complement: TNNC1 is on the minus strand). VCF-style: chr3-52451490-T-C. GRCh37 (hg19) VCF-style: chr3-52485506-T-C.
Other names: c.355A>G (LRG_378t1); short protein forms I119V.
Identifiers: ClinVar variation 580935 (VCV000580935.5), dbSNP rs1559615765, ClinGen allele CA353165878.
Genomic context (GRCh38, chr3:52,451,490, plus strand): 5'-CCTTCATGAGCTCCTCGATGTCGTCCTCCGTGATGGTCTCGCCTGTAGCCTGCAGCATTA[T>C]CTTCAGCTCATCCAGGTCGATGTAGCCATCAGCATTTCTGTGGGGAGGGGGCTCAGGGTA-3'
Protein context (NP_003271.1, residues 109-129): DGYIDLDELK[Ile119Val]MLQATGETIT